The following is an entry in ClinVar:

NM_001025616.3(ARHGAP24):c.1425C>G (p.His475Gln)

Gene: ARHGAP24 (Rho GTPase activating protein 24; plus strand). Cytogenetic location: 4q21.23.
Variant type: single nucleotide variant.
Coding change: c.1425C>G on transcript NM_001025616.3 (MANE Select); coding-DNA position 1425, C replaced by G.
Protein change: p.His475Gln; replaces histidine 475 with glutamine.
Molecular consequence: missense variant.
Genome position (GRCh38, 1-based): chr4:85,995,079, C>G. VCF-style: chr4-85995079-C-G. GRCh37 (hg19) VCF-style: chr4-86916232-C-G.
Other names: c.1140C>G, p.His380Gln (NM_001042669.2); c.1170C>G, p.His390Gln (NM_001287805.2); c.846C>G, p.His282Gln (NM_001346093.2); c.1146C>G, p.His382Gln (NM_031305.3); short protein forms H382Q, H282Q, H390Q, H475Q, H380Q.
Identifiers: ClinVar variation 2079174 (VCV002079174.5), dbSNP rs141031654, ClinGen allele CA2994741.

ClinVar aggregate classification (germline): Uncertain significance. Review status: criteria provided, multiple submitters, no conflicts (2 of 4 stars). 2 submissions from 2 submitters: Uncertain significance (2). Last evaluated 2025-12-22.

Allele frequency attached by ClinVar (database versions not stated): ESP Exome Variant Server 0.00008; TOPMed 0.00010.
gnomAD v4.1: 256 of 1,613,920 alleles (0.016%); highest among the groups gnomAD compares: Non-Finnish European, 0.02%; no homozygotes.

Submissions (2):

Labcorp Genetics (formerly Invitae), Labcorp
Classification: Uncertain significance. Last evaluated: 2025-12-22. Review status: criteria provided, single submitter. Criteria: Invitae Variant Classification Sherloc (09022015). Collection method: clinical testing. Allele origin: germline.
Comment: This sequence change replaces histidine, which is basic and polar, with glutamine, which is neutral and polar, at codon 475 of the ARHGAP24 protein (p.His475Gln). This variant is present in population databases (rs141031654, gnomAD 0.01%). This variant has not been reported in the literature in individuals affected with ARHGAP24-related conditions. ClinVar contains an entry for this variant (Variation ID: 2079174). An algorithm developed to predict the effect of missense changes on protein structure and function (PolyPhen-2) suggests that this variant is likely to be tolerated. In summary, the available evidence is currently insufficient to determine the role of this variant in disease. Therefore, it has been classified as a Variant of Uncertain Significance.

Ambry Genetics
Classification: Uncertain significance. Last evaluated: 2022-07-26. Review status: criteria provided, single submitter. Criteria: Ambry Variant Classification Scheme 2023. Collection method: clinical testing. Allele origin: germline.